The following is an entry in ClinVar:

NM_182710.3(KAT5):c.930G>C (p.Gln310His)

Gene: KAT5 (lysine acetyltransferase 5; plus strand). Cytogenetic location: 11q13.1.
Variant type: single nucleotide variant.
Coding change: c.930G>C on transcript NM_182710.3 (MANE Select); coding-DNA position 930, G replaced by C.
Protein change: p.Gln310His; replaces glutamine 310 with histidine.
Molecular consequence: missense variant.
Genome position (GRCh38, 1-based): chr11:65,714,734, G>C. VCF-style: chr11-65714734-G-C. GRCh37 (hg19) VCF-style: chr11-65482205-G-C.
Other names: c.774G>C, p.Gln258His (NM_001206833.2); c.831G>C, p.Gln277His (NM_006388.4); c.675G>C, p.Gln225His (NM_182709.3); c.930G>C (NM_182710.2); c.831G>C (NM_006388.3); short protein forms Q225H, Q258H, Q277H, Q310H.
Identifiers: ClinVar variation 2504026 (VCV002504026.5), dbSNP rs1009501704, ClinGen allele CA223992867.

ClinVar aggregate classification (germline): Uncertain significance. Review status: criteria provided, multiple submitters, no conflicts (2 of 4 stars). 3 submissions from 3 submitters: Uncertain significance (3). Last evaluated 2025-09-01.

Conditions:
Neurodevelopmental disorder with dysmorphic facies, sleep disturbance, and brain abnormalities. Identifiers: MedGen C5436821, MONDO:0030852, OMIM 619103.

Allele frequency attached by ClinVar (database versions not stated): gnomAD 0.00001; TOPMed 0.00002.
gnomAD v4.1: 11 of 1,614,066 alleles (0.00068%); highest among the groups gnomAD compares: Non-Finnish European, 0.00076%; no homozygotes.

Submissions (3):

Ambry Genetics
Classification: Uncertain significance. Last evaluated: 2025-09-01. Review status: criteria provided, single submitter. Criteria: Ambry Variant Classification Scheme 2023. Collection method: clinical testing. Allele origin: germline.

Clinical Genomics Laboratory, Washington University in St. Louis
Classification: Uncertain significance for Neurodevelopmental disorder with dysmorphic facies, sleep disturbance, and brain abnormalities. Last evaluated: 2023-07-28. Review status: criteria provided, single submitter. Criteria: ACMG Guidelines, 2015. Collection method: clinical testing. Allele origin: germline.
Comment: The KAT5 c.930G>C (p.Gln310His) variant, to our knowledge, has not been reported in the medical literature and is only observed on 1/251,400 alleles in the general population (gnomAD v.2.1.1), indicating it is not a common variant. The amino acid at this position occurs in the MYST domain and changes a neutral glutamine to a positively charged histidine and computational predictors suggest that the variant does not impact KAT5 function. Due to limited information, the clinical significance of this variant is uncertain.

Women's Health and Genetics/Laboratory Corporation of America, LabCorp
Classification: Uncertain significance. Last evaluated: 2023-04-28. Review status: criteria provided, single submitter. Criteria: LabCorp Variant Classification Summary - May 2015. Collection method: clinical testing. Allele origin: germline.
Comment: Variant summary: KAT5 c.831G>C (p.Gln277His) results in a non-conservative amino acid change located in the Histone acetyltransferase domain, MYST-type (IPR002717) of the encoded protein sequence. Three of five in-silico tools predict a benign effect of the variant on protein function. The variant allele was found at a frequency of 4e-06 in 251400 control chromosomes. The available data on variant occurrences in the general population are insufficient to allow any conclusion about variant significance. To our knowledge, no occurrence of c.831G>C in individuals affected with Neurodevelopmental Disorder With Dysmorphic Facies, Sleep Disturbance, And Brain Abnormalities and no experimental evidence demonstrating its impact on protein function have been reported. No clinical diagnostic laboratories have submitted clinical-significance assessments for this variant to ClinVar after 2014. Based on the evidence outlined above, the variant was classified as uncertain significance.